The following is an entry in ClinVar:

ClinVar aggregate classification (germline): Uncertain significance (1 of 4 stars; one submission).

Conditions:
3-methylglutaconic aciduria type 1 (MGCA1). Identifiers: Orphanet 67046, MedGen C0342727, MONDO:0009610, OMIM 250950.

gnomAD v4.1: 13 of 1,611,300 alleles (0.00081%); highest among the groups gnomAD compares: Admixed American, 0.015%; no homozygotes.

Submission:

Labcorp Genetics (formerly Invitae), Labcorp
Classification: Uncertain significance for 3-methylglutaconic aciduria type 1. Last evaluated: 2024-02-07. Review status: criteria provided, single submitter. Criteria: Invitae Variant Classification Sherloc (09022015). Collection method: clinical testing. Allele origin: germline.
Comment: This sequence change falls in intron 4 of the AUH gene. It does not directly change the encoded amino acid sequence of the AUH protein. It affects a nucleotide within the consensus splice site. This variant is present in population databases (rs770004060, gnomAD 0.02%). This variant has not been reported in the literature in individuals affected with AUH-related conditions. Variants that disrupt the consensus splice site are a relatively common cause of aberrant splicing (PMID: 17576681, 9536098). Algorithms developed to predict the effect of sequence changes on RNA splicing suggest that this variant may disrupt the consensus splice site. In summary, the available evidence is currently insufficient to determine the role of this variant in disease. Therefore, it has been classified as a Variant of Uncertain Significance.

Literature cited by the submitters: PubMed 17576681; PubMed 9536098.

NM_001698.3(AUH):c.505+5G>A

Gene: AUH (AU RNA binding methylglutaconyl-CoA hydratase; minus strand). Cytogenetic location: 9q22.31.
Variant type: single nucleotide variant.
Coding change: c.505+5G>A on transcript NM_001698.3 (MANE Select); 5 bases into the intron after coding-DNA position 505, G replaced by A.
Molecular consequence: intron variant.
Genome position (GRCh38, 1-based): chr9:91,325,313, C>T on the plus strand (G>A on the coding strand, the complement: AUH is on the minus strand). VCF-style: chr9-91325313-C-T. GRCh37 (hg19) VCF-style: chr9-94087595-C-T.
Other names: c.419-27237G>A (NM_001306190.2); c.178+5G>A (NM_001351433.2, NM_001351431.2, NM_001351432.2).
Identifiers: ClinVar variation 3627328 (VCV003627328.2).